The following is an entry in ClinVar:

ClinVar aggregate classification (germline): Likely benign. Review status: criteria provided, multiple submitters, no conflicts (2 of 4 stars). 2 submissions from 2 submitters: Likely benign (2). Last evaluated 2024-06-26.

Conditions:
Neurodevelopmental disorder with or without hyperkinetic movements and seizures, autosomal dominant. Also called: Intellectual disability, autosomal dominant 8. Identifiers: MedGen C3280282, MONDO:0013655, OMIM 614254.

Submissions (2):

Labcorp Genetics (formerly Invitae), Labcorp
Classification: Likely benign for Neurodevelopmental disorder with or without hyperkinetic movements and seizures, autosomal dominant. Last evaluated: 2024-06-26. Review status: criteria provided, single submitter. Criteria: Invitae Variant Classification Sherloc (09022015). Collection method: clinical testing. Allele origin: germline.

CeGaT Center for Human Genetics Tuebingen
Classification: Likely benign. Last evaluated: 2022-05-01. Review status: criteria provided, single submitter. Criteria: CeGaT Center For Human Genetics Tuebingen Variant Classification Criteria Version 2. Collection method: clinical testing. Allele origin: germline. Affected: yes. Observed: 1 variant allele.
Comment: GRIN1: PM2:Supporting, BP4, BP7

NM_007327.4(GRIN1):c.849C>T (p.Asp283=)

Gene: GRIN1 (glutamate ionotropic receptor NMDA type subunit 1; plus strand). Cytogenetic location: 9q34.3.
Variant type: single nucleotide variant.
Coding change: c.849C>T on transcript NM_007327.4 (MANE Select); coding-DNA position 849, C replaced by T.
Protein change: p.Asp283=; no amino-acid change (aspartic acid 283 retained).
Molecular consequence: synonymous variant.
Genome position (GRCh38, 1-based): chr9:137,156,918, C>T. VCF-style: chr9-137156918-C-T. GRCh37 (hg19) VCF-style: chr9-140051370-C-T.
Other names: c.849C>T, p.Asp283= (NM_000832.7, NM_021569.4); c.912C>T, p.Asp304= (NM_001185090.2, NM_001185091.2).
Identifiers: ClinVar variation 2659809 (VCV002659809.26), dbSNP rs2538596821, ClinGen allele CA467850716.